The following is an entry in ClinVar:

NM_000093.5(COL5A1):c.924+297C>A

Gene: COL5A1 (collagen type V alpha 1 chain; plus strand). Cytogenetic location: 9q34.3.
Variant type: single nucleotide variant.
Coding change: c.924+297C>A on transcript NM_000093.5 (MANE Select); 297 bases into the intron after coding-DNA position 924, C replaced by A.
Molecular consequence: intron variant.
Genome position (GRCh38, 1-based): chr9:134,729,104, C>A. VCF-style: chr9-134729104-C-A. GRCh37 (hg19) VCF-style: chr9-137620950-C-A.
Other names: c.924+297C>A (NM_001278074.1).
Identifiers: ClinVar variation 669628 (VCV000669628.1), dbSNP rs146783021, ClinGen allele CA13060233.

ClinVar aggregate classification (germline): Likely benign (1 of 4 stars; one submission).

Allele frequency attached by ClinVar (database versions not stated): 1000 Genomes Project 0.01078; 1000 Genomes Project 30x 0.01140; TOPMed 0.01188; gnomAD 0.01226 and 0.01263.
gnomAD v4.1: 1,929 of 152,326 alleles (1.3%); highest among the groups gnomAD compares: Middle Eastern, 2.4%; 18 homozygotes.

Submission:

GeneDx
Classification: Likely benign. Last evaluated: 2018-06-16. Review status: criteria provided, single submitter. Criteria: GeneDx Variant Classification (06012015). Collection method: clinical testing. Allele origin: germline. Affected: yes.
Comment: This variant is considered likely benign or benign based on one or more of the following criteria: it is a conservative change, it occurs at a poorly conserved position in the protein, it is predicted to be benign by multiple in silico algorithms, and/or has population frequency not consistent with disease.